The following is an entry in ClinVar:

NM_022787.4(NMNAT1):c.455A>G (p.Lys152Arg)

Gene: NMNAT1 (nicotinamide nucleotide adenylyltransferase 1; plus strand). Cytogenetic location: 1p36.22.
Variant type: single nucleotide variant.
Coding change: c.455A>G on transcript NM_022787.4 (MANE Select); coding-DNA position 455, A replaced by G.
Protein change: p.Lys152Arg; replaces lysine 152 with arginine.
Molecular consequence: missense variant.
Genome position (GRCh38, 1-based): chr1:9,982,316, A>G. VCF-style: chr1-9982316-A-G. GRCh37 (hg19) VCF-style: chr1-10042374-A-G.
Other names: c.455A>G, p.Lys152Arg (NM_001297778.1); short protein forms K152R.
Identifiers: ClinVar variation 1931339 (VCV001931339.5), dbSNP rs762535714, ClinGen allele CA579264.

ClinVar aggregate classification (germline): Uncertain significance (1 of 4 stars; one submission).

Conditions:
Leber congenital amaurosis 9 (LCA9). Also called: LCA9 Leber Congenital Amaurosis; LCA 9; Amaurosis congenita of Leber, type 9. Identifiers: Orphanet 65, MedGen C1837873, MONDO:0012056, OMIM 608553.

Allele frequency attached by ClinVar (database versions not stated): gnomAD exomes below 0.00001; TOPMed below 0.00001; ExAC 0.00001; gnomAD 0.00001.
gnomAD v4.1: 2 of 1,612,434 alleles (0.00012%); highest among the groups gnomAD compares: African/African-American, 0.0013%; no homozygotes.

Submission:

Labcorp Genetics (formerly Invitae), Labcorp
Classification: Uncertain significance for Leber congenital amaurosis 9. Last evaluated: 2024-12-30. Review status: criteria provided, single submitter. Criteria: Invitae Variant Classification Sherloc (09022015). Collection method: clinical testing. Allele origin: germline.
Comment: This sequence change replaces lysine, which is basic and polar, with arginine, which is basic and polar, at codon 152 of the NMNAT1 protein (p.Lys152Arg). This variant is present in population databases (rs762535714, gnomAD 0.007%). This missense change has been observed in individual(s) with retinitis pigmentosa (internal data). ClinVar contains an entry for this variant (Variation ID: 1931339). Invitae Evidence Modeling of protein sequence and biophysical properties (such as structural, functional, and spatial information, amino acid conservation, physicochemical variation, residue mobility, and thermodynamic stability) indicates that this missense variant is not expected to disrupt NMNAT1 protein function with a negative predictive value of 80%. In summary, the available evidence is currently insufficient to determine the role of this variant in disease. Therefore, it has been classified as a Variant of Uncertain Significance.